The following is an entry in ClinVar:

ClinVar aggregate classification (germline): Conflicting classifications of pathogenicity. Review status: criteria provided, conflicting classifications (1 of 4 stars). 2 submissions from 2 submitters: Likely pathogenic (1); Uncertain significance (1). Last evaluated 2025-09-17.

Conditions:
Osteogenesis imperfecta, perinatal lethal (OI2). Also called: OSTEOGENESIS IMPERFECTA, TYPE II; Osteogenesis imperfecta type 2; Osteogenesis imperfecta, dominant perinatal lethal; OI, TYPE II; OSTEOGENESIS IMPERFECTA CONGENITA; VROLIK TYPE OF OSTEOGENESIS IMPERFECTA. Identifiers: Orphanet 216804, MedGen C0268358, MONDO:0008147, OMIM 166210.
Ehlers-Danlos syndrome, arthrochalasia type. Also called: Ehlers-Danlos syndrome, arthrochalasia type, 1; ARTHROCHALASIS MULTIPLEX CONGENITA; EDS VII, MUTANT PROCOLLAGEN TYPE; Ehlers-Danlos syndrome, arthrochalasis type; EDS VIIA. Identifiers: Orphanet 1899, Orphanet 99875, Orphanet 99876, MedGen C4551623, MONDO:0007525, OMIM 130060.
Infantile cortical hyperostosis. Also called: Hyperostosis, Cortical, Congenital; P1PK BLOOD GROUP SYSTEM, P(2) PHENOTYPE; Caffey Disease. Identifiers: Orphanet 1310, MedGen C0020497, MONDO:0007244, OMIM 114000.
Osteogenesis imperfecta type I (OI1). Also called: Classic Non-deforming Osteogenesis Imperfecta with Blue Sclerae; Lobstein's Disease; OI, TYPE I; OSTEOGENESIS IMPERFECTA TARDA; OSTEOGENESIS IMPERFECTA WITH BLUE SCLERAE; Osteogenesis imperfecta type 1. Identifiers: Orphanet 216796, Orphanet 666, MedGen C0023931, MONDO:0008146, OMIM 166200. Disease mechanism: loss of function.

Allele frequency attached by ClinVar (database versions not stated): gnomAD 0.00001; gnomAD exomes 0.00001; TOPMed 0.00001; ESP Exome Variant Server 0.00008.

Submissions (2):

GeneDx
Classification: Uncertain significance. Last evaluated: 2025-09-17. Review status: criteria provided, single submitter. Criteria: GeneDx Variant Classification Process June 2021. Collection method: clinical testing. Allele origin: germline.
Comment: Identified in a patient presenting with compression fracture of lumbar vertebra after a generalized seizure, CT scan with evidence of old fractures, and diagnosis of osteoporosis (PMID: 30567240); this patient's brother with osteoporotic vertebral fracture and son with abnormal audiogram both harbor the p.(E1230K) variant; Not observed at significant frequency in large population cohorts (gnomAD); In silico analysis supports that this missense variant has a deleterious effect on protein structure/function; Not located in the triple helical region, where the majority of pathogenic missense variants occur (HGMD); This variant is associated with the following publications: (PMID: 34426522, 30567240)

Labcorp Genetics (formerly Invitae), Labcorp
Classification: Likely pathogenic for Osteogenesis imperfecta type I. Last evaluated: 2025-05-24. Review status: criteria provided, single submitter. Criteria: Invitae Variant Classification Sherloc (09022015). Collection method: clinical testing. Allele origin: germline.
Comment: This sequence change replaces glutamic acid, which is acidic and polar, with lysine, which is basic and polar, at codon 1230 of the COL1A1 protein (p.Glu1230Lys). This variant is present in population databases (rs376564562, gnomAD 0.003%). This missense change has been observed in individual(s) with autosomal dominant COL1A1-related conditions (PMID: 30567240). It has also been observed to segregate with disease in related individuals. ClinVar contains an entry for this variant (Variation ID: 456777). Invitae Evidence Modeling of protein sequence and biophysical properties (such as structural, functional, and spatial information, amino acid conservation, physicochemical variation, residue mobility, and thermodynamic stability) indicates that this missense variant is expected to disrupt COL1A1 protein function with a positive predictive value of 95%. In summary, the currently available evidence indicates that the variant is pathogenic, but additional data are needed to prove that conclusively. Therefore, this variant has been classified as Likely Pathogenic.

Literature cited by the submitters: PubMed 30567240 (cited by Labcorp Genetics (formerly Invitae), Labcorp).

NM_000088.4(COL1A1):c.3688G>A (p.Glu1230Lys)

Gene: COL1A1 (collagen type I alpha 1 chain; minus strand). Cytogenetic location: 17q21.33.
Variant type: single nucleotide variant.
Coding change: c.3688G>A on transcript NM_000088.4 (MANE Select); coding-DNA position 3688, G replaced by A.
Protein change: p.Glu1230Lys; replaces glutamic acid 1230 with lysine.
Molecular consequence: missense variant.
Genome position (GRCh38, 1-based): chr17:50,186,766, C>T on the plus strand (G>A on the coding strand, the complement: COL1A1 is on the minus strand). VCF-style: chr17-50186766-C-T. GRCh37 (hg19) VCF-style: chr17-48264127-C-T.
Other names: short protein forms E1230K.
Identifiers: ClinVar variation 456777 (VCV000456777.12), dbSNP rs376564562, ClinGen allele CA291542875.